The following is an entry in ClinVar:

ClinVar aggregate classification (germline): Pathogenic. Review status: reviewed by expert panel (3 of 4 stars). 2 submissions from 2 submitters: Pathogenic (1). 1 of the submissions does not count toward it. Last evaluated 2016-10-18.

Conditions:
Breast-ovarian cancer, familial, susceptibility to, 2 (BROVCA2). Also called: BRCA2 Hereditary Breast and Ovarian Cancer. Identifiers: Orphanet 145, MedGen C2675520, MONDO:0012933, OMIM 612555. Disease mechanism: loss of function.

Submissions (2):

Evidence-based Network for the Interpretation of Germline Mutant Alleles (ENIGMA)
Classification: Pathogenic for Breast-ovarian cancer, familial, susceptibility to, 2. Last evaluated: 2016-10-18. Review status: reviewed by expert panel. Criteria: ENIGMA BRCA1/2 Classification Criteria (2015). Collection method: curation. Allele origin: germline.
Comment: Variant allele predicted to encode a truncated non-functional protein.

Consortium of Investigators of Modifiers of BRCA1/2 (CIMBA), c/o University of Cambridge
Classification: Pathogenic for Breast-ovarian cancer, familial, susceptibility to, 2. Last evaluated: 2015-10-02. Review status: criteria provided, single submitter. Criteria: CIMBA Mutation Classification guidelines May 2016. Collection method: clinical testing. Allele origin: germline. Not counted in ClinVar's aggregate classification.

NM_000059.4(BRCA2):c.3303_3336dup (p.Glu1113Ter)

Gene: BRCA2 (BRCA2 DNA repair associated; plus strand). Cytogenetic location: 13q13.1.
Variant type: Duplication.
Coding change: c.3303_3336dup on transcript NM_000059.4 (MANE Select); coding-DNA positions 3303 to 3336, 34 bases duplicated.
Protein change: p.Glu1113Ter; replaces glutamic acid 1113 with a stop codon.
Molecular consequence: nonsense.
Genome position (GRCh38, 1-based): chr13:32,337,658-32,337,691, 34 bases duplicated; duplicating any 34 consecutive bases within chr13:32,337,656-32,337,691 gives the same sequence; the c. name uses the placement nearest the transcript's 3' end. GRCh37 (hg19): chr13:32,911,795-32,911,828.
Other names: 3564ins34-ter1113 (dup nt3531-3564); short protein forms E1113*.
Identifiers: ClinVar variation 266745 (VCV000266745.5), dbSNP rs886040469, ClinGen allele CA10589197.